The following is an entry in ClinVar:

NM_000827.4(GRIA1):c.914A>T (p.Gln305Leu)

Gene: GRIA1 (glutamate ionotropic receptor AMPA type subunit 1; plus strand). Cytogenetic location: 5q33.2.
Variant type: single nucleotide variant.
Coding change: c.914A>T on transcript NM_000827.4 (MANE Select); coding-DNA position 914, A replaced by T.
Protein change: p.Gln305Leu; replaces glutamine 305 with leucine.
Molecular consequence: missense variant. On other transcripts: non-coding transcript variant (2), intron variant (1).
Genome position (GRCh38, 1-based): chr5:153,677,046, A>T. VCF-style: chr5-153677046-A-T. GRCh37 (hg19) VCF-style: chr5-153056606-A-T.
Other names: c.914A>T, p.Gln305Leu (NM_001114183.2); c.674A>T, p.Gln225Leu (NM_001258019.2); c.629A>T, p.Gln210Leu (NM_001258020.2); c.944A>T, p.Gln315Leu (NM_001258021.2, NM_001258022.2); c.707A>T, p.Gln236Leu (NM_001258023.1, NM_001364167.2); c.941A>T, p.Gln314Leu (NM_001364166.2); c.861+2385A>T (NM_001364165.2); short protein forms Q210L, Q225L, Q236L, Q305L, Q314L, Q315L.
Identifiers: ClinVar variation 3343445 (VCV003343445.1).

ClinVar aggregate classification (germline): Uncertain significance (1 of 4 stars; one submission).

Submission:

GeneDx
Classification: Uncertain significance. Last evaluated: 2023-05-10. Review status: criteria provided, single submitter. Criteria: GeneDx Variant Classification Process June 2021. Collection method: clinical testing. Allele origin: germline. Affected: yes.
Comment: Not observed at significant frequency in large population cohorts (gnomAD); In silico analysis supports that this missense variant has a deleterious effect on protein structure/function; Has not been previously published as pathogenic or benign to our knowledge